The following is an entry in ClinVar:

ClinVar aggregate classification (germline): Uncertain significance. Review status: criteria provided, multiple submitters, no conflicts (2 of 4 stars). 5 submissions from 5 submitters: Uncertain significance (5). Last evaluated 2026-01-02.

Conditions:
Inborn genetic diseases. Identifiers: MedGen C0950123, MeSH D030342.
Aicardi-Goutieres syndrome 6 (AGS6). Identifiers: Orphanet 51, MedGen C3539013, MONDO:0014007, OMIM 615010.
Symmetrical dyschromatosis of extremities (DSH). Also called: RETICULATE ACROPIGMENTATION OF DOHI; SYMMETRIC DYSCHROMATOSIS OF THE EXTREMITIES; Dyschromatosis symmetrica hereditaria; DYSCHROMATOSIS SYMMETRICA HEREDITARIA 1. Identifiers: Orphanet 41, MedGen C0406775, MONDO:0007483, OMIM 127400.

Allele frequency attached by ClinVar (database versions not stated): gnomAD exomes 0.00007 and 0.00003; ESP Exome Variant Server 0.00015; gnomAD 0.00020 and 0.00022; ExAC 0.00006; 1000 Genomes Project 30x 0.00031; TOPMed 0.00020; 1000 Genomes Project 0.00040.
gnomAD v4.1: 74 of 1,614,246 alleles (0.0046%); highest among the groups gnomAD compares: African/African-American, 0.091%; no homozygotes.

Submissions (5):

Labcorp Genetics (formerly Invitae), Labcorp
Classification: Uncertain significance for Aicardi-Goutieres syndrome 6; Symmetrical dyschromatosis of extremities. Last evaluated: 2026-01-02. Review status: criteria provided, single submitter. Criteria: Invitae Variant Classification Sherloc (09022015). Collection method: clinical testing. Allele origin: germline.
Comment: This sequence change replaces glutamic acid, which is acidic and polar, with glycine, which is neutral and non-polar, at codon 410 of the ADAR protein (p.Glu410Gly). This variant is present in population databases (rs145652884, gnomAD 0.08%). This variant has not been reported in the literature in individuals affected with ADAR-related conditions. ClinVar contains an entry for this variant (Variation ID: 235339). Invitae Evidence Modeling of protein sequence and biophysical properties (such as structural, functional, and spatial information, amino acid conservation, physicochemical variation, residue mobility, and thermodynamic stability) indicates that this missense variant is not expected to disrupt ADAR protein function with a negative predictive value of 80%. In summary, the available evidence is currently insufficient to determine the role of this variant in disease. Therefore, it has been classified as a Variant of Uncertain Significance.

Ambry Genetics
Classification: Uncertain significance for Inborn genetic diseases. Last evaluated: 2025-07-03. Review status: criteria provided, single submitter. Criteria: Ambry Variant Classification Scheme 2023. Collection method: clinical testing. Allele origin: germline.

Genome-Nilou Lab
Classification: Uncertain significance for Aicardi-Goutieres syndrome 6. Last evaluated: 2023-04-11. Review status: criteria provided, single submitter. Criteria: ACMG Guidelines, 2015. Collection method: clinical testing. Allele origin: germline. Affected: no.

GeneDx
Classification: Uncertain significance. Last evaluated: 2022-08-02. Review status: criteria provided, single submitter. Criteria: GeneDx Variant Classification Process June 2021. Collection method: clinical testing. Allele origin: germline. Affected: yes.
Comment: In silico analysis supports that this missense variant does not alter protein structure/function; Has not been previously published as pathogenic or benign to our knowledge

Center for Pediatric Genomic Medicine, Children's Mercy Hospital and Clinics
Classification: Uncertain significance. Last evaluated: 2015-09-25. Review status: criteria provided, single submitter. Criteria: ACMG Guidelines, 2015. Collection method: clinical testing. Allele origin: germline.
ClinVar note: Converted during submission from Uncertain Significance to Uncertain significance.

NM_001111.5(ADAR):c.1229A>G (p.Glu410Gly)

Gene: ADAR (adenosine deaminase RNA specific; minus strand). Cytogenetic location: 1q21.3.
Variant type: single nucleotide variant.
Coding change: c.1229A>G on transcript NM_001111.5 (MANE Select); coding-DNA position 1229, A replaced by G.
Protein change: p.Glu410Gly; replaces glutamic acid 410 with glycine.
Molecular consequence: missense variant.
Genome position (GRCh38, 1-based): chr1:154,601,413, T>C on the plus strand (A>G on the coding strand, the complement: ADAR is on the minus strand). VCF-style: chr1-154601413-T-C. GRCh37 (hg19) VCF-style: chr1-154573889-T-C.
Other names: c.1229A>G, p.Glu410Gly (LRG_1212t1, NM_015840.4, NM_015841.4); c.344A>G, p.Glu115Gly (NM_001025107.3, NM_001193495.2, NM_001365046.1 and 3 more transcripts); c.1256A>G, p.Glu419Gly (NM_001365045.1); short protein forms E410G, E115G, E419G.
Identifiers: ClinVar variation 235339 (VCV000235339.15), dbSNP rs145652884, ClinGen allele CA1131571.